The following is an entry in ClinVar:

NM_005902.4(SMAD3):c.163_177del (p.Ile55_Asn59del)

Gene: SMAD3 (SMAD family member 3; plus strand). Cytogenetic location: 15q22.33.
Variant type: Deletion.
Coding change: c.163_177del on transcript NM_005902.4 (MANE Select); coding-DNA positions 163 to 177, 15 bases deleted (ATCACCACGCAGAAC).
Protein change: p.Ile55_Asn59del.
Molecular consequence: inframe deletion.
Genome position (GRCh38, 1-based): chr15:67,066,317-67,066,331, ATCACCACGCAGAAC deleted; deleting any 15 consecutive bases within chr15:67,066,316-67,066,331 gives the same sequence; the c. name uses the placement nearest the transcript's 3' end. VCF-style (leftmost placement, unchanged base first): chr15-67066315-CCATCACCACGCAGAA-C. GRCh37 (hg19) VCF-style: chr15-67358653-CCATCACCACGCAGAA-C.
Other names: c.163_177del (NM_005902.3).
Identifiers: ClinVar variation 645262 (VCV000645262.10), dbSNP rs1595882160, ClinGen allele CA915946030.

ClinVar aggregate classification (germline): Uncertain significance (1 of 4 stars; one submission).

Conditions:
Familial thoracic aortic aneurysm and aortic dissection (TAAD). Also called: Thoracic aortic aneurysms and dissections. Identifiers: Orphanet 91387, MedGen C4707243, MONDO:0019625.

Submission:

Labcorp Genetics (formerly Invitae), Labcorp
Classification: Uncertain significance for Familial thoracic aortic aneurysm and aortic dissection. Last evaluated: 2019-04-09. Review status: criteria provided, single submitter. Criteria: Invitae Variant Classification Sherloc (09022015). Collection method: clinical testing. Allele origin: germline.
Comment: This variant, c.163_177delATCACCACGCAGAAC, results in the deletion of 5 amino acid(s) of the SMAD3 protein (p.Ile55_Asn59del), but otherwise preserves the integrity of the reading frame. This variant is not present in population databases (ExAC no frequency). Experimental studies and prediction algorithms are not available for this variant, and the functional significance of the affected amino acid(s) is currently unknown. In summary, the available evidence is currently insufficient to determine the role of this variant in disease. Therefore, it has been classified as a Variant of Uncertain Significance.